The following is an entry in ClinVar:

ClinVar aggregate classification (germline): Uncertain significance (1 of 4 stars; one submission).

Submission:

Women's Health and Genetics/Laboratory Corporation of America, LabCorp
Classification: Uncertain significance. Last evaluated: 2024-02-27. Review status: criteria provided, single submitter. Criteria: LabCorp Variant Classification Summary - May 2015. Collection method: clinical testing. Allele origin: germline.
Comment: Variant summary: AUTS2 c.1642C>T (p.His548Tyr) results in a conservative amino acid change in the encoded protein sequence. Three of five in-silico tools predict a benign effect of the variant on protein function. The variant was absent in 248750 control chromosomes. The available data on variant occurrences in the general population are insufficient to allow any conclusion about variant significance. To our knowledge, no occurrence of c.1642C>T in individuals affected with Autism Spectrum Disorder Due To AUTS2 Deficiency and no experimental evidence demonstrating its impact on protein function have been reported. No submitters have cited clinical-significance assessments for this variant to ClinVar. Based on the evidence outlined above, the variant was classified as uncertain significance.

NM_015570.4(AUTS2):c.1642C>T (p.His548Tyr)

Gene: AUTS2 (activator of transcription and developmental regulator AUTS2; plus strand). Cytogenetic location: 7q11.22.
Variant type: single nucleotide variant.
Coding change: c.1642C>T on transcript NM_015570.4 (MANE Select); coding-DNA position 1642, C replaced by T.
Protein change: p.His548Tyr; replaces histidine 548 with tyrosine.
Molecular consequence: missense variant.
Genome position (GRCh38, 1-based): chr7:70,766,287, C>T. VCF-style: chr7-70766287-C-T. GRCh37 (hg19) VCF-style: chr7-70231273-C-T.
Other names: c.1642C>T, p.His548Tyr (NM_001127231.3); short protein forms H548Y.
Identifiers: ClinVar variation 3069109 (VCV003069109.2), dbSNP rs889725302, ClinGen allele CA367669029.
Genomic context (GRCh38, chr7:70,766,287, plus strand): 5'-CAGCACCAGCACCAGCACACCCACCAGCACACGCACCAGCACACCTTCACGCCGTTCCCC[C>T]ACGCCATCCCACCCACCGCCATCATGCCGACGCCAGCACCTCCCATGGTGCGTACCCCAG-3'
Protein context (NP_056385.1, residues 538-558): THQHTFTPFP[His548Tyr]AIPPTAIMPT